The following is an entry in ClinVar:

NM_006031.6(PCNT):c.9334C>T (p.Pro3112Ser)

Gene: PCNT (pericentrin; plus strand). Cytogenetic location: 21q22.3.
Variant type: single nucleotide variant.
Coding change: c.9334C>T on transcript NM_006031.6 (MANE Select); coding-DNA position 9334, C replaced by T.
Protein change: p.Pro3112Ser; replaces proline 3112 with serine.
Molecular consequence: missense variant.
Genome position (GRCh38, 1-based): chr21:46,440,143, C>T. VCF-style: chr21-46440143-C-T. GRCh37 (hg19) VCF-style: chr21-47860056-C-T.
Other names: c.8743C>T, p.Pro2915Ser (NM_001315529.2); short protein forms P3112S, P2915S.
Identifiers: ClinVar variation 388223 (VCV000388223.4), dbSNP rs534490490, ClinGen allele CA10081292.

ClinVar aggregate classification (germline): Conflicting classifications of pathogenicity. Review status: criteria provided, conflicting classifications (1 of 4 stars). 2 submissions from 2 submitters: Uncertain significance (1); Likely benign (1). Last evaluated 2026-06-08.

Conditions:
PCNT-related disorder. Also called: PCNT-related condition.

Allele frequency attached by ClinVar (database versions not stated): gnomAD exomes 0.00004 and 0.00006; ExAC 0.00005; gnomAD 0.00009; TOPMed 0.00013; 1000 Genomes Project 30x 0.00016; 1000 Genomes Project 0.00020.
gnomAD v4.1: 71 of 1,614,072 alleles (0.0044%); highest among the groups gnomAD compares: Admixed American, 0.023%; no homozygotes.

Submissions (2):

PreventionGenetics, part of Exact Sciences
Classification: Uncertain significance for PCNT-related condition. Last evaluated: 2026-06-08. Review status: criteria provided, single submitter. Criteria: ACMG Guidelines, 2015. Collection method: clinical testing. Allele origin: germline.
Comment: The PCNT c.9334C>T variant is predicted to result in the amino acid substitution p.Pro3112Ser. To our knowledge, this variant has not been reported in the literature. This variant is reported in 0.025% of alleles in individuals of Latino descent in gnomAD. At this time, the clinical significance of this variant is uncertain due to the absence of conclusive functional and genetic evidence.

GeneDx
Classification: Likely benign. Last evaluated: 2016-07-29. Review status: criteria provided, single submitter. Criteria: GeneDx Variant Classification (06012015). Collection method: clinical testing. Allele origin: germline. Affected: yes.
Comment: This variant is considered likely benign or benign based on one or more of the following criteria: it is a conservative change, it occurs at a poorly conserved position in the protein, it is predicted to be benign by multiple in silico algorithms, and/or has population frequency not consistent with disease.